The following is an entry in ClinVar:

NM_015151.4(DIP2A):c.109G>A (p.Gly37Arg)

Gene: DIP2A (DIP2 acetate--CoA ligase A; plus strand). Cytogenetic location: 21q22.3.
Variant type: single nucleotide variant.
Coding change: c.109G>A on transcript NM_015151.4 (MANE Select); coding-DNA position 109, G replaced by A.
Protein change: p.Gly37Arg; replaces glycine 37 with arginine.
Molecular consequence: missense variant.
Genome position (GRCh38, 1-based): chr21:46,484,774, G>A. VCF-style: chr21-46484774-G-A. GRCh37 (hg19) VCF-style: chr21-47904687-G-A.
Other names: c.109G>A, p.Gly37Arg (NM_001146115.2, NM_001146116.2, NM_001353942.2 and 6 more transcripts); short protein forms G37R.
Identifiers: ClinVar variation 2652830 (VCV002652830.24), dbSNP rs2519635356, ClinGen allele CA410555037.
Genomic context (GRCh38, chr21:46,484,774, plus strand): 5'-AATTGTAGAAGAAATGCAATTCTTTTTTCCATTGTTGTTTTAGGTGACATCACTCAAAAA[G>A]GATATGAAAAGAAAAGGGCAAAGCTGCTTGCACGTTATATACCGCTTATTCAAGGTAAGG-3'
Protein context (NP_055966.2, residues 27-47): ELSEGDITQK[Gly37Arg]YEKKRAKLLA

ClinVar aggregate classification (germline): Uncertain significance (1 of 4 stars; one submission).

Submission:

CeGaT Center for Human Genetics Tuebingen
Classification: Uncertain significance. Last evaluated: 2023-07-01. Review status: criteria provided, single submitter. Criteria: CeGaT Center For Human Genetics Tuebingen Variant Classification Criteria Version 2. Collection method: clinical testing. Allele origin: germline. Affected: yes. Observed: 1 variant allele.
Comment: DIP2A: PM2